The following is an entry in ClinVar:

NM_002734.5(PRKAR1A):c.164A>C (p.Glu55Ala)

Gene: PRKAR1A (protein kinase cAMP-dependent type I regulatory subunit alpha; plus strand). Cytogenetic location: 17q24.2.
Variant type: single nucleotide variant.
Coding change: c.164A>C on transcript NM_002734.5 (MANE Select); coding-DNA position 164, A replaced by C.
Protein change: p.Glu55Ala; replaces glutamic acid 55 with alanine.
Molecular consequence: missense variant.
Genome position (GRCh38, 1-based): chr17:68,515,563, A>C. VCF-style: chr17-68515563-A-C. GRCh37 (hg19) VCF-style: chr17-66511704-A-C.
Other names: c.164A>C, p.Glu55Ala (NM_001276289.2, NM_001276290.1, NM_001278433.2 and 4 more transcripts); short protein forms E55A.
Identifiers: ClinVar variation 5027343 (VCV005027343.1).

ClinVar aggregate classification (germline): Uncertain significance (1 of 4 stars; one submission).

Conditions:
Hereditary cancer-predisposing syndrome. Also called: Neoplastic Syndromes, Hereditary; Tumor predisposition; Hereditary neoplastic syndrome; Hereditary Cancer Syndrome. Identifiers: Orphanet 140162, MedGen C0027672, MeSH D009386, MONDO:0015356.

Submission:

Ambry Genetics
Classification: Uncertain significance for Hereditary cancer-predisposing syndrome. Last evaluated: 2026-07-07. Review status: criteria provided, single submitter. Criteria: Ambry Variant Classification Scheme 2023. Collection method: clinical testing. Allele origin: germline.
Comment: The p.E55A variant (also known as c.164A>C), located in coding exon 1 of the PRKAR1A gene, results from an A to C substitution at nucleotide position 164. The glutamic acid at codon 55 is replaced by alanine, an amino acid with dissimilar properties. This amino acid position is conserved. In addition, this alteration is predicted to be deleterious by in silico analysis. Based on the available evidence, the clinical significance of this variant remains unclear.